The following is an entry in ClinVar:

NM_000368.5(TSC1):c.2813G>T (p.Arg938Ile)

Gene: TSC1 (TSC complex subunit 1; minus strand). Cytogenetic location: 9q34.13.
Variant type: single nucleotide variant.
Coding change: c.2813G>T on transcript NM_000368.5 (MANE Select); coding-DNA position 2813, G replaced by T.
Protein change: p.Arg938Ile; replaces arginine 938 with isoleucine.
Molecular consequence: missense variant. On other transcripts: non-coding transcript variant (2).
Genome position (GRCh38, 1-based): chr9:132,897,423, C>A on the plus strand (G>T on the coding strand, the complement: TSC1 is on the minus strand). VCF-style: chr9-132897423-C-A. GRCh37 (hg19) VCF-style: chr9-135772810-C-A.
Other names: c.2768G>T, p.Arg923Ile (NM_001406608.1, NM_001406609.1); c.2660G>T, p.Arg887Ile (NM_001406610.1, NM_001162427.2); c.2657G>T, p.Arg886Ile (NM_001406611.1, NM_001406612.1); c.2615G>T, p.Arg872Ile (NM_001406613.1); c.2450G>T, p.Arg817Ile (NM_001406614.1, NM_001406615.1, NM_001406616.1 and 4 more transcripts); c.2810G>T, p.Arg937Ile (NM_001162426.2, NM_001406597.1, NM_001406598.1 and 2 more transcripts); c.2813G>T, p.Arg938Ile (NM_001406592.1, NM_001406593.1, NM_001406594.1 and 2 more transcripts); c.2798G>T, p.Arg933Ile (NM_001406601.1, NM_001406602.1); and 8 more; short protein forms R817I, R872I, R886I, R887I, R937I, R621I, R816I, R923I.
Identifiers: ClinVar variation 4709644 (VCV004709644.2).

ClinVar aggregate classification (germline): Uncertain significance. Review status: criteria provided, multiple submitters, no conflicts (2 of 4 stars). 2 submissions from 2 submitters: Uncertain significance (2). Last evaluated 2026-01-13.

Conditions:
Tuberous sclerosis 1 (TSC1). Identifiers: Orphanet 805, MedGen C1854465, MONDO:0008612, OMIM 191100.
Hereditary cancer-predisposing syndrome. Also called: Neoplastic Syndromes, Hereditary; Tumor predisposition; Hereditary Cancer Syndrome; Hereditary neoplastic syndrome. Identifiers: Orphanet 140162, MedGen C0027672, MeSH D009386, MONDO:0015356.

Submissions (2):

Ambry Genetics
Classification: Uncertain significance for Hereditary cancer-predisposing syndrome. Last evaluated: 2026-01-13. Review status: criteria provided, single submitter. Criteria: Ambry Variant Classification Scheme 2023. Collection method: clinical testing. Allele origin: germline.
Comment: The c.2813G>T variant (also known as p.R938I), located in coding exon 19 of the TSC1 gene, results from a G to T substitution at nucleotide position 2813. The amino acid change results in arginine to isoleucine at codon 938, an amino acid with similar properties. However, this change occurs in the last base pair of coding exon 19, which makes it likely to have some effect on normal mRNA splicing. This nucleotide position is well conserved in available vertebrate species. This amino acid position is not well conserved in available vertebrate species. In silico splice site analysis predicts that this alteration will weaken the native splice donor site. In addition, as a missense, the in silico prediction for this alteration is inconclusive. Based on the available evidence, the clinical significance of this variant remains unclear.

Labcorp Genetics (formerly Invitae), Labcorp
Classification: Uncertain significance for Tuberous sclerosis 1. Last evaluated: 2025-08-25. Review status: criteria provided, single submitter. Criteria: Invitae Variant Classification Sherloc (09022015). Collection method: clinical testing. Allele origin: germline.
Comment: This sequence change replaces arginine, which is basic and polar, with isoleucine, which is neutral and non-polar, at codon 938 of the TSC1 protein (p.Arg938Ile). This variant also falls at the last nucleotide of exon 21, which is part of the consensus splice site for this exon. This variant is not present in population databases (gnomAD no frequency). This variant has not been reported in the literature in individuals affected with TSC1-related conditions. Invitae Evidence Modeling of protein sequence and biophysical properties (such as structural, functional, and spatial information, amino acid conservation, physicochemical variation, residue mobility, and thermodynamic stability) indicates that this missense variant is not expected to disrupt TSC1 protein function with a negative predictive value of 95%. Variants that disrupt the consensus splice site are a relatively common cause of aberrant splicing (PMID: 17576681, 9536098). Algorithms developed to predict the effect of sequence changes on RNA splicing suggest that this variant may disrupt the consensus splice site. In summary, the available evidence is currently insufficient to determine the role of this variant in disease. Therefore, it has been classified as a Variant of Uncertain Significance.

Literature cited by the submitters: PubMed 17576681 (cited by Labcorp Genetics (formerly Invitae), Labcorp); PubMed 9536098 (cited by Labcorp Genetics (formerly Invitae), Labcorp).